The following is an entry in ClinVar:

ClinVar aggregate classification (germline): Uncertain significance (1 of 4 stars; one submission).

Conditions:
Hereditary cancer-predisposing syndrome. Also called: Hereditary Cancer Syndrome; Neoplastic Syndromes, Hereditary; Tumor predisposition; Hereditary neoplastic syndrome. Identifiers: Orphanet 140162, MedGen C0027672, MeSH D009386, MONDO:0015356.

Submission:

Ambry Genetics
Classification: Uncertain significance for Hereditary cancer-predisposing syndrome. Last evaluated: 2025-03-06. Review status: criteria provided, single submitter. Criteria: Ambry Variant Classification Scheme 2023. Collection method: clinical testing. Allele origin: germline.
Comment: The c.-4delGinsAT variant is located in the 5' untranslated region (5&rsquo;UTR) of the VHL gene. This variant results from a deletion of G and insertion of AT four nucleotides upstream from the first translated codon. This nucleotide position is well conserved in available vertebrate species. Since supporting evidence is limited at this time, the clinical significance of this alteration remains unclear.

NM_000551.4(VHL):c.-4delinsAT

Gene: VHL (von Hippel-Lindau tumor suppressor; plus strand). Cytogenetic location: 3p25.3.
Variant type: Indel.
Coding change: c.-4delinsAT on transcript NM_000551.4 (MANE Select); 4 bases upstream of the start codon, G replaced by AT.
Molecular consequence: 5 prime UTR variant.
Genome position (GRCh38, 1-based): chr3:10,141,844, G replaced by AT. VCF-style: chr3-10141844-G-AT. GRCh37 (hg19) VCF-style: chr3-10183528-G-AT.
Other names: c.-4delinsAT (NM_001354723.2, NM_198156.3).
Identifiers: ClinVar variation 1744699 (VCV001744699.3), dbSNP rs2470156914, ClinGen allele CA2580068378.
Genomic context (GRCh38, chr3:10,141,844, plus strand): 5'-CCGCCCCGCGTCCGACCCGCGGATCCCGCGGCGTCCGGCCCGGGTGGTCTGGATCGCGGA[G>AT]GGAATGCCCCGGAGGGCGGAGAACTGGGACGAGGCCGAGGTAGGCGCGGAGGAGGCAGGC-3'